The following is an entry in ClinVar:

ClinVar aggregate classification (germline): Uncertain significance (1 of 4 stars; one submission).

Submission:

Labcorp Genetics (formerly Invitae), Labcorp
Classification: Uncertain significance. Last evaluated: 2024-07-24. Review status: criteria provided, single submitter. Criteria: Invitae Variant Classification Sherloc (09022015). Collection method: clinical testing. Allele origin: germline.
Comment: This sequence change replaces leucine, which is neutral and non-polar, with proline, which is neutral and non-polar, at codon 378 of the TRPV6 protein (p.Leu378Pro). This variant is not present in population databases (gnomAD no frequency). This variant has not been reported in the literature in individuals affected with TRPV6-related conditions. Experimental studies and prediction algorithms are not available or were not evaluated, and the functional significance of this variant is currently unknown. In summary, the available evidence is currently insufficient to determine the role of this variant in disease. Therefore, it has been classified as a Variant of Uncertain Significance.

NM_018646.6(TRPV6):c.1133T>C (p.Leu378Pro)

Gene: TRPV6 (transient receptor potential cation channel subfamily V member 6; minus strand). Cytogenetic location: 7q34.
Variant type: single nucleotide variant.
Coding change: c.1133T>C on transcript NM_018646.6 (MANE Select); coding-DNA position 1133, T replaced by C.
Protein change: p.Leu378Pro; replaces leucine 378 with proline.
Molecular consequence: missense variant.
Genome position (GRCh38, 1-based): chr7:142,875,577, A>G on the plus strand (T>C on the coding strand, the complement: TRPV6 is on the minus strand). VCF-style: chr7-142875577-A-G. GRCh37 (hg19) VCF-style: chr7-142573330-A-G.
Other names: short protein forms L378P.
Identifiers: ClinVar variation 3660436 (VCV003660436.2).